The following is an entry in ClinVar:

ClinVar aggregate classification (germline): Likely pathogenic. Review status: criteria provided, single submitter (1 of 4 stars). 2 submissions from 2 submitters: Likely pathogenic (1). 1 of the submissions does not count toward it. Last evaluated 2025-01-10.

Conditions:
Shwachman-Diamond syndrome 2. Identifiers: MedGen C4693704, MONDO:0044205, OMIM 617941.
Shwachman syndrome. Also called: Shwachman-Diamond Syndrome; PANCREATIC INSUFFICIENCY AND BONE MARROW DYSFUNCTION; SHWACHMAN-BODIAN SYNDROME. Identifiers: Orphanet 811, MedGen C0272170, MONDO:0009833.

Allele frequency attached by ClinVar (database versions not stated): gnomAD exomes 0.00001.
gnomAD v4.1: 11 of 1,614,110 alleles (0.00068%); highest among the groups gnomAD compares: Non-Finnish European, 0.00085%; no homozygotes.

Submissions (2):

Broad Center for Mendelian Genomics, Broad Institute of MIT and Harvard
Classification: Likely pathogenic for Shwachman syndrome. Last evaluated: 2025-01-10. Review status: criteria provided, single submitter. Criteria: ACMG Guidelines, 2015. Collection method: curation. Allele origin: germline. Inheritance: Autosomal recessive inheritance.
Comment: The p.Arg754Ter variant in EFL1 has been reported, in the compound heterozygous state, in 1 individual with Shwachman-Diamond syndrome (PMID: 31151987), and has been identified in 0.0009% (10/1112002) of European (non-Finnish) chromosomes by the Genome Aggregation Database (gnomAD; dbSNP rs1330065864). Although this variant has been seen in the general population in a heterozygous state, its frequency is low enough to be consistent with a recessive carrier frequency. This variant has also been reported in ClinVar (Variation ID: 1686814) and has been interpreted as pathogenic by OMIM. In vitro functional studies provide some evidence that the p.Arg754Ter variant may impact protein function (PMID: 31151987). However, these types of assays may not accurately represent biological function. This nonsense variant leads to a premature termination codon at position 754, which is predicted to lead to a truncated or absent protein. Loss of function of the EFL1 gene is strongly associated to autosomal recessive Shwachman-Diamond syndrome. This variant meets criteria to be classified as likely pathogenic for autosomal recessive Shwachman-Diamond syndrome despite the moderate evidence for this gene-disease relationship. ACMG/AMP Criteria applied: PS3_moderate, PVS1_strong, PM2_supporting (Richards 2015).

OMIM
Classification: Pathogenic for SHWACHMAN-DIAMOND SYNDROME 2. Last evaluated: 2022-04-18. Review status: no assertion criteria provided. Collection method: literature only. Allele origin: germline. Not counted in ClinVar's aggregate classification.

Literature cited by the submitters: PubMed 31151987 (cited by Broad Center for Mendelian Genomics, Broad Institute of MIT and Harvard and OMIM).

NM_024580.6(EFL1):c.2260C>T (p.Arg754Ter)

Gene: EFL1 (elongation factor like GTPase 1; minus strand). Cytogenetic location: 15q25.2.
Variant type: single nucleotide variant.
Coding change: c.2260C>T on transcript NM_024580.6 (MANE Select); coding-DNA position 2260, C replaced by T.
Protein change: p.Arg754Ter; replaces arginine 754 with a stop codon.
Molecular consequence: nonsense. On other transcripts: non-coding transcript variant (1).
Genome position (GRCh38, 1-based): chr15:82,152,194, G>A on the plus strand (C>T on the coding strand, the complement: EFL1 is on the minus strand). VCF-style: chr15-82152194-G-A. GRCh37 (hg19) VCF-style: chr15-82444535-G-A.
Other names: R754*; NM_024580.6(EFL1):c.2260C>T; p.Arg754Ter; c.2107C>T, p.Arg703Ter (NM_001040610.3); c.1471C>T, p.Arg491Ter (NM_001322844.2); c.2260C>T, p.Arg754Ter (NM_001322845.2); short protein forms R491*, R703*.
Identifiers: ClinVar variation 1686814 (VCV001686814.2), dbSNP rs1330065864, ClinGen allele CA393288230.